The following is an entry in ClinVar:

NM_152373.4(ZNF684):c.492C>T (p.Cys164=)

Gene: ZNF684 (zinc finger protein 684; plus strand). Cytogenetic location: 1p34.2.
Variant type: single nucleotide variant.
Coding change: c.492C>T on transcript NM_152373.4 (MANE Select); coding-DNA position 492, C replaced by T.
Protein change: p.Cys164=; no amino-acid change (cysteine 164 retained).
Molecular consequence: synonymous variant.
Genome position (GRCh38, 1-based): chr1:40,546,815, C>T. VCF-style: chr1-40546815-C-T. GRCh37 (hg19) VCF-style: chr1-41012487-C-T.
Identifiers: ClinVar variation 2638723 (VCV002638723.24), dbSNP rs186272836, ClinGen allele CA793570.

ClinVar aggregate classification (germline): Likely benign (1 of 4 stars; one submission).

Allele frequency attached by ClinVar (database versions not stated): 1000 Genomes Project 0.00060; TOPMed 0.00006; ESP Exome Variant Server 0.00008; gnomAD exomes 0.00008; gnomAD 0.00009; ExAC 0.00022; 1000 Genomes Project 30x 0.00047.

Submission:

CeGaT Center for Human Genetics Tuebingen
Classification: Likely benign. Last evaluated: 2023-01-01. Review status: criteria provided, single submitter. Criteria: CeGaT Center For Human Genetics Tuebingen Variant Classification Criteria Version 2. Collection method: clinical testing. Allele origin: germline. Affected: yes. Observed: 1 variant allele.
Comment: ZNF684: BP4, BP7